The following is an entry in ClinVar:

NM_153717.3(EVC):c.2740C>T (p.Leu914Phe)

Gene: EVC (EvC ciliary complex subunit 1; plus strand). Cytogenetic location: 4p16.2.
Variant type: single nucleotide variant.
Coding change: c.2740C>T on transcript NM_153717.3 (MANE Select); coding-DNA position 2740, C replaced by T.
Protein change: p.Leu914Phe; replaces leucine 914 with phenylalanine.
Molecular consequence: missense variant.
Genome position (GRCh38, 1-based): chr4:5,809,569, C>T. VCF-style: chr4-5809569-C-T. GRCh37 (hg19) VCF-style: chr4-5811296-C-T.
Other names: c.2740C>T, p.Leu914Phe (NM_001306090.2); short protein forms L914F.
Identifiers: ClinVar variation 349208 (VCV000349208.9), dbSNP rs370825749, ClinGen allele CA2836671.

ClinVar aggregate classification (germline): Uncertain significance. Review status: criteria provided, multiple submitters, no conflicts (2 of 4 stars). 4 submissions from 4 submitters: Uncertain significance (4). Last evaluated 2025-09-11.

Conditions:
Ellis-van Creveld syndrome (EVC). Also called: EVC-Related Ellis-van Creveld Syndrome; EVC2-Related Ellis-van Creveld Syndrome; MESOECTODERMAL DYSPLASIA; Chondroectodermal dysplasia. Identifiers: Orphanet 289, MedGen C0013903, MONDO:0009162, OMIM 225500.
Curry-Hall syndrome (WAD). Also called: WEYERS ACRODENTAL DYSOSTOSIS. Identifiers: Orphanet 952, MedGen C0457013, MONDO:0008673, OMIM 193530.
Inborn genetic diseases. Identifiers: MedGen C0950123, MeSH D030342.

Allele frequency attached by ClinVar (database versions not stated): gnomAD 0.00001; gnomAD exomes 0.00001 and 0.00002; ExAC 0.00002; TOPMed 0.00002; ESP Exome Variant Server 0.00015.
gnomAD v4.1: 20 of 1,614,098 alleles (0.0012%); highest among the groups gnomAD compares: Admixed American, 0.0083%; no homozygotes.

Submissions (4):

Labcorp Genetics (formerly Invitae), Labcorp
Classification: Uncertain significance for Curry-Hall syndrome; Ellis-van Creveld syndrome. Last evaluated: 2025-09-11. Review status: criteria provided, single submitter. Criteria: Invitae Variant Classification Sherloc (09022015). Collection method: clinical testing. Allele origin: germline.
Comment: This sequence change replaces leucine, which is neutral and non-polar, with phenylalanine, which is neutral and non-polar, at codon 914 of the EVC protein (p.Leu914Phe). This variant is present in population databases (rs370825749, gnomAD 0.02%). This variant has not been reported in the literature in individuals affected with EVC-related conditions. ClinVar contains an entry for this variant (Variation ID: 349208). Invitae Evidence Modeling of protein sequence and biophysical properties (such as structural, functional, and spatial information, amino acid conservation, physicochemical variation, residue mobility, and thermodynamic stability) has been performed for this missense variant. However, the output from this modeling did not meet the statistical confidence thresholds required to predict the impact of this variant on EVC protein function. In summary, the available evidence is currently insufficient to determine the role of this variant in disease. Therefore, it has been classified as a Variant of Uncertain Significance.

Ambry Genetics
Classification: Uncertain significance for Inborn genetic diseases. Last evaluated: 2025-02-27. Review status: criteria provided, single submitter. Criteria: Ambry Variant Classification Scheme 2023. Collection method: clinical testing. Allele origin: germline.

Women's Health and Genetics/Laboratory Corporation of America, LabCorp
Classification: Uncertain significance. Last evaluated: 2023-11-07. Review status: criteria provided, single submitter. Criteria: LabCorp Variant Classification Summary - May 2015. Collection method: clinical testing. Allele origin: germline.
Comment: Variant summary: EVC c.2740C>T (p.Leu914Phe) results in a non-conservative amino acid change in the encoded protein sequence. Three of five in-silico tools predict a damaging effect of the variant on protein function. The variant allele was found at a frequency of 2e-05 in 251460 control chromosomes. The available data on variant occurrences in the general population are insufficient to allow any conclusion about variant significance. To our knowledge, no occurrence of c.2740C>T in individuals affected with Ellis-van Creveld syndrome and no experimental evidence demonstrating its impact on protein function have been reported. Two submitters have cited clinical-significance assessments for this variant to ClinVar after 2014. All submitters classified the variant as uncertain significance. Based on the evidence outlined above, the variant was classified as uncertain significance.

Illumina Laboratory Services, Illumina
Classification: Uncertain significance for Ellis-van Creveld syndrome. Last evaluated: 2018-01-12. Review status: criteria provided, single submitter. Criteria: ICSL Variant Classification Criteria 13 December 2019. Collection method: clinical testing. Allele origin: germline.